The following is an entry in ClinVar:

NM_000540.3(RYR1):c.11315G>A (p.Arg3772Gln)

Gene: RYR1 (ryanodine receptor 1; plus strand). Cytogenetic location: 19q13.2.
Variant type: single nucleotide variant.
Coding change: c.11315G>A on transcript NM_000540.3 (MANE Select); coding-DNA position 11315, G replaced by A.
Protein change: p.Arg3772Gln; replaces arginine 3772 with glutamine.
Molecular consequence: missense variant.
Genome position (GRCh38, 1-based): chr19:38,534,775, G>A. VCF-style: chr19-38534775-G-A. GRCh37 (hg19) VCF-style: chr19-39025415-G-A.
Other names: NM_000540.3(RYR1):c.11315G>A; c.11300G>A, p.Arg3767Gln (NM_001042723.2); short protein forms R3772Q, R3767Q.
Identifiers: ClinVar variation 133012 (VCV000133012.51), dbSNP rs193922839, ClinGen allele CA023909.
Genomic context (GRCh38, chr19:38,534,775, plus strand): 5'-CCCAGGAGAAACAGATGGAGAAGCAGAGGCTCTTGTACCAGCAAGCACGGCTGCACACCC[G>A]GGGGGCGGCCGAGATGGTGCTGCAGATGATCAGTGCCTGCAAAGGTGCCCCTCACATGTG-3'
Protein context (NP_000531.2, residues 3762-3782): LLYQQARLHT[Arg3772Gln]GAAEMVLQMI

ClinVar aggregate classification (germline): Pathogenic/Likely pathogenic. Review status: reviewed by expert panel (3 of 4 stars). 18 submissions from 18 submitters: Pathogenic (1); Likely pathogenic (1). 16 of the submissions do not count toward it. Last evaluated 2025-08-01.

Conditions:
RYR1-related myopathy. Identifiers: Orphanet 98742, MedGen CN305348, MONDO:0100150.
RYR1-related disorder. Also called: RYR1-related disorders; RYR1-related condition. Identifiers: MedGen CN239331.
Neuromuscular disease. Also called: Neuromuscular disorder; Neuromyopathy. Identifiers: Orphanet 68381, MedGen C0027868, MeSH D009468, MONDO:0019056.
Malignant hyperthermia of anesthesia. Also called: Anesthesic-triggered malignant hyperthermia. Identifiers: Orphanet 423, MedGen C0024591, MONDO:0018493, HP:0034733.
Inborn genetic diseases. Identifiers: MedGen C0950123, MeSH D030342.
Malignant hyperthermia, susceptibility to, 1 (MHS1). Also called: Malignant hyperthermia suceptibility 1; Anesthesia related hyperthermia; Malignant hyperpyrexia; Fulminating hyperpyrexia; Pharmacogenic myopathy; RYR1-Related Malignant Hyperthermia Susceptibility. Identifiers: Orphanet 423, MedGen C2930980, MONDO:0007783, OMIM 145600.
Pelvic girdle muscle weakness. Identifiers: MedGen C0427064, HP:0003749.
Progressive distal muscle weakness. Identifiers: MedGen C1836609, HP:0009063.
Scoliosis. Identifiers: MedGen C0036439, MONDO:0005392, HP:0002650.
Delayed gross motor development. Identifiers: MedGen C1837658, HP:0002194.
Proximal muscle weakness. Identifiers: MedGen C0221629, HP:0003701.

Allele frequency attached by ClinVar (database versions not stated): gnomAD 0.00001; TOPMed 0.00001.
gnomAD v4.1: 7 of 1,613,530 alleles (0.00043%); highest among the groups gnomAD compares: African/African-American, 0.0027%; no homozygotes.

Submissions 1 to 6 of 18:

ClinGen Malignant Hyperthermia Susceptibility Variant Curation Expert Panel, ClinGen
Classification: Likely pathogenic for Malignant hyperthermia, susceptibility to, 1. Last evaluated: 2025-08-01. Review status: reviewed by expert panel. Criteria: RYR1-MHS Interpretation Guidelines V2. Collection method: curation. Allele origin: germline. Inheritance: Autosomal dominant inheritance.
Comment: This pathogenicity assessment is relevant only for malignant hyperthermia susceptibility (MHS) inherited in an autosomal dominant pattern. Variants in RYR1 can also cause other myopathies inherited in an autosomal dominant pattern or in an autosomal recessive pattern. Some of these disorders may predispose individuals to malignant hyperthermia. RYR1 variants may also contribute to a malignant hyperthermia reaction in combination with other genetic and non-genetic factors and the clinician needs to consider such factors in making management decisions. This sequence variant predicts a substitution of arginine with glutamine at codon 3772 of the RYR1 protein, p.(Arg3772Gln). The maximum allele frequency for this variant among the six major gnomAD populations is SAS: 0.000033, a frequency consistent with pathogenicity for MHS. This variant has been reported in eight unrelated individuals who have a personal or family history of a malignant hyperthermia reaction, seven of these individuals had a positive in vitro contracture test (IVCT) or caffeine halothane contracture test (CHCT) result (if the proband was unavailable for testing, a positive diagnostic test result in a mutation-positive relative was counted), however, three of these individuals were homozygous for this variant and were not considered for PS4, PS4_Moderate was applied (PMID: 30236257, 17483490). This variant segregates with MHS in at least seven individuals, PP1_Strong (PMID:19645060, 22473935). This variant has been identified in an individual with a negative IVCT/CHCT result. BS2_Moderate (PMID: 30236257). No functional studies were identified for this variant. This variant does not reside in a hotspot for pathogenic variants that contribute to MHS. A REVEL score >0.85 (0.888) supports a pathogenic status for this variant, PP3_Moderate. This variant has been classified as Likely Pathogenic. Criteria implemented: PS4_Moderate, PP1_Strong, PP3_Moderate, BS2_Moderate.

ClinGen Congenital Myopathies Variant Curation Expert Panel, ClinGen
Classification: Pathogenic for RYR1-related myopathy. Last evaluated: 2025-04-14. Review status: reviewed by expert panel. Criteria: ClinGen CongenMyopathy ACMG Specifications RYR1 AR V2.0.0. Collection method: curation. Allele origin: germline. Inheritance: Autosomal recessive inheritance.
Comment: The NM_000540.3:c.11315G>A variant in RYR1 is a missense variant predicted to cause substitution of arginine by glutamine at amino acid 3772 (p.Arg3772Gln). The highest population minor allele frequency in gnomAD v4.1.0 is 0.00002670 (2/74898 alleles) in the African/African American population (PM2_Supporting, BS1, and BA1 are not met). The computational predictor REVEL gives a score of 0.888, which is above the threshold of ≥ 0.7, evidence that correlates with impact to RYR1 function (PP3). This variant has been detected in at least 10 individuals with clinical features of RYR1-related myopathy. Of those, 6 individuals were homozygous and 4 had a second RYR1 variant identified, of which 1 was confirmed in trans by parental testing with a pathogenic or likely pathogenic variant (PMID: 18253926, 27447704, 34106991, 19645060, 17483490, ClinGen Congenital Myopathies VCEP internal contributor; PM3_Strong). The variant has been reported to segregate with RYR1-related myopathy in 3 affected family members from 1 family (PP1_Strong; PMID: 17483490). In summary, this variant meets the criteria to be classified as pathogenic for autosomal recessive RYR1-related myopathy based on the ACMG/AMP criteria applied, as specified by the ClinGen Congenital Myopathies VCEP: PM3_Strong, PP1_Strong, PP3. (ClinGen Congenital Myopathies VCEP specifications version 2.0.0).

CeGaT Center for Human Genetics Tuebingen
Classification: Likely pathogenic. Last evaluated: 2026-08-01. Review status: criteria provided, single submitter. Criteria: CeGaT Center For Human Genetics Tuebingen Variant Classification Criteria Version 2. Collection method: clinical testing. Allele origin: germline. Affected: yes. Observed: 2 variant alleles. Not counted in ClinVar's aggregate classification.
Comment: RYR1: PP1:Strong, PM5, PS4:Moderate

PreventionGenetics, part of Exact Sciences
Classification: Pathogenic for RYR1-related condition. Last evaluated: 2026-02-17. Review status: criteria provided, single submitter. Criteria: ACMG Guidelines, 2015. Collection method: clinical testing. Allele origin: germline. Not counted in ClinVar's aggregate classification.
Comment: The RYR1 c.11315G>A variant is predicted to result in the amino acid substitution p.Arg3772Gln. This variant has been reported in the homozygous and compound heterozygous states in several individuals with autosomal recessive RYR1-related myopathy (see for examples: Zhou et al. 2007. PubMed ID: 17483490; Carpenter et al. 2009. PubMed ID: 19645060; Stehlíková et al. 2016. PubMed ID: 27447704; Maggi et al. 2013. PubMed ID: 23394784; Babić Božović et al. 2021. PubMed ID: 34106991). Carriers of this variant have also been reported to be susceptible to malignant hyperthermia (Zhou et al. 2007. PubMed ID: 17483490; Carpenter et al. 2009. PubMed ID: 19645060; Miller et al. 2018. PubMed ID: 30236257). This variant is reported in 0.0033% of alleles in individuals of South Asian descent in gnomAD. This variant has been classified as likely pathogenic by the ClinGen Malignant Hyperthermia Susceptibility Variant Curation Expert Panel. A different missense change impacting the same amino acid (p.Arg3772Trp) has also been reported in individuals with malignant hyperthermia and autosomal recessive congenital myopathy (Levano et al. 2009. PubMed ID: 19191329; Bevilacqua et al. 2011. PubMed ID: 21062345). Given the evidence, we classify the c.11315G>A (p.Arg3772Gln) variant as pathogenic for autosomal recessive and dominant RYR1-related disorders.

Labcorp Genetics (formerly Invitae), Labcorp
Classification: Pathogenic for RYR1-related disorder. Last evaluated: 2025-11-10. Review status: criteria provided, single submitter. Criteria: Invitae Variant Classification Sherloc (09022015). Collection method: clinical testing. Allele origin: germline. Not counted in ClinVar's aggregate classification.
Comment: This sequence change replaces arginine, which is basic and polar, with glutamine, which is neutral and polar, at codon 3772 of the RYR1 protein (p.Arg3772Gln). This variant is present in population databases (rs193922839, gnomAD 0.003%). This missense change has been observed in individuals with autosomal recessive RYR1-related myopathy and malignant hyperthermia susceptibility (PMID: 17483490, 19645060). It has also been observed to segregate with disease in related individuals. ClinVar contains an entry for this variant (Variation ID: 133012). Invitae Evidence Modeling of protein sequence and biophysical properties (such as structural, functional, and spatial information, amino acid conservation, physicochemical variation, residue mobility, and thermodynamic stability) indicates that this missense variant is expected to disrupt RYR1 protein function with a positive predictive value of 80%. This variant disrupts the p.Arg3772 amino acid residue in RYR1. Other variant(s) that disrupt this residue have been determined to be pathogenic (PMID: 19191329, 21062345, 23919265, 24091937). This suggests that this residue is clinically significant, and that variants that disrupt this residue are likely to be disease-causing. For these reasons, this variant has been classified as Pathogenic.

Department of Molecular Genetics, Istishari Arab Hospital
Classification: Likely pathogenic for Malignant hyperthermia, susceptibility to, 1. Last evaluated: 2025-07-07. Review status: criteria provided, single submitter. Criteria: ACMG Guidelines, 2015. Collection method: clinical testing. Allele origin: germline. Inheritance: Autosomal dominant inheritance. Affected: yes. Not counted in ClinVar's aggregate classification.
Comment: The RYR1 variant c.11315G>A causes an amino acid change from Arg to Gln at position 3772 in exon no. 79 of 106. This variant has been observed in the heterozygous state in individuals with autosomal dominant malignant hyperthermia susceptibility (PMID: 19645060, 22473935, 30236257, 17483490).It is classified as pathogenic for autosomal recessive congenital myopathy 1B whereas it is classified as likely pathogenic for autosomal dominant malignant hyperthermia susceptibility according to the recommendations of ACMG/AMP/ClinGen SVI guidelines.